The following is an entry in ClinVar:

NM_022455.5(NSD1):c.6314del (p.Gly2105fs)

Gene: NSD1 (nuclear receptor binding SET domain protein 1; plus strand). Cytogenetic location: 5q35.3.
Variant type: Deletion.
Coding change: c.6314del on transcript NM_022455.5 (MANE Select); coding-DNA position 6314, one base deleted (G; older notation c.6314delG).
Protein change: p.Gly2105fs; shifts the reading frame from glycine 2105.
Molecular consequence: frameshift variant.
Genome position (GRCh38, 1-based): chr5:177,292,009, G deleted; the last of 3 consecutive G bases (chr5:177,292,007-177,292,009); deleting any one gives the same sequence. VCF-style (leftmost placement, unchanged base first): chr5-177292006-AG-A. GRCh37 (hg19) VCF-style: chr5-176719007-AG-A.
Other names: c.5441del, p.Gly1814fs (NM_001365684.2, NM_001409308.1, NM_172349.5); c.6314del, p.Gly2105fs (NM_001409301.1, NM_001409302.1, NM_001409303.1); c.5894del, p.Gly1965fs (NM_001409304.1); c.5561del, p.Gly1854fs (NM_001409305.1); c.5552del, p.Gly1851fs (NM_001409306.1, NM_001409307.1); c.5192del, p.Gly1731fs (NM_001409309.1); short protein forms G2105fs, G1731fs, G1851fs, G1814fs, G1965fs, G1854fs.
Identifiers: ClinVar variation 3723108 (VCV003723108.2).

ClinVar aggregate classification (germline): Pathogenic (1 of 4 stars; one submission).

Submission:

Labcorp Genetics (formerly Invitae), Labcorp
Classification: Pathogenic. Last evaluated: 2024-10-17. Review status: criteria provided, single submitter. Criteria: Invitae Variant Classification Sherloc (09022015). Collection method: clinical testing. Allele origin: germline.
Comment: This sequence change creates a premature translational stop signal (p.Gly2105Glufs*45) in the NSD1 gene. While this is not anticipated to result in nonsense mediated decay, it is expected to disrupt the last 592 amino acid(s) of the NSD1 protein. This variant is not present in population databases (gnomAD no frequency). This variant has not been reported in the literature in individuals affected with NSD1-related conditions. This variant disrupts a region of the NSD1 protein in which other variant(s) (Cys2202Tyr) have been determined to be pathogenic (PMID: 16222665, 25533962, 29276005; internal data). This suggests that this is a clinically significant region of the protein, and that variants that disrupt it are likely to be disease-causing. For these reasons, this variant has been classified as Pathogenic.

Literature cited by the submitters: PubMed 16222665; PubMed 25533962; PubMed 29276005.